The following is an entry in ClinVar:

NM_172364.5(CACNA2D4):c.1368C>T (p.Ile456=)

Gene: CACNA2D4 (calcium voltage-gated channel auxiliary subunit alpha2delta 4; minus strand). Cytogenetic location: 12p13.33.
Variant type: single nucleotide variant.
Coding change: c.1368C>T on transcript NM_172364.5 (MANE Select); coding-DNA position 1368, C replaced by T.
Protein change: p.Ile456=; no amino-acid change (isoleucine 456 retained).
Molecular consequence: synonymous variant.
Genome position (GRCh38, 1-based): chr12:1,882,984, G>A on the plus strand (C>T on the coding strand, the complement: CACNA2D4 is on the minus strand). VCF-style: chr12-1882984-G-A. GRCh37 (hg19) VCF-style: chr12-1992150-G-A.
Identifiers: ClinVar variation 881280 (VCV000881280.37), dbSNP rs745670628, ClinGen allele CA6387155.

ClinVar aggregate classification (germline): Conflicting classifications of pathogenicity. Review status: criteria provided, conflicting classifications (1 of 4 stars). 4 submissions from 4 submitters: Uncertain significance (2); Likely benign (2). Last evaluated 2025-12-17.

Conditions:
Retinal cone dystrophy 4 (RCD4). Identifiers: Orphanet 1872, MedGen C1864849, MONDO:0012507, OMIM 610478.

Allele frequency attached by ClinVar (database versions not stated): ExAC 0.00001; gnomAD exomes 0.00004 and 0.00011; gnomAD 0.00007; TOPMed 0.00009.
gnomAD v4.1: 175 of 1,612,976 alleles (0.011%); highest among the groups gnomAD compares: Non-Finnish European, 0.014%; no homozygotes.

Submissions (4):

Labcorp Genetics (formerly Invitae), Labcorp
Classification: Likely benign. Last evaluated: 2025-12-17. Review status: criteria provided, single submitter. Criteria: Invitae Variant Classification Sherloc (09022015). Collection method: clinical testing. Allele origin: germline.

Blueprint Genetics
Classification: Uncertain significance. Last evaluated: 2022-11-21. Review status: criteria provided, single submitter. Criteria: ACMG Guidelines, 2015. Collection method: clinical testing. Allele origin: germline.

CeGaT Center for Human Genetics Tuebingen
Classification: Likely benign. Last evaluated: 2022-09-01. Review status: criteria provided, single submitter. Criteria: CeGaT Center For Human Genetics Tuebingen Variant Classification Criteria Version 2. Collection method: clinical testing. Allele origin: germline. Affected: yes. Observed: 1 variant allele.
Comment: CACNA2D4: BP4

Illumina Laboratory Services, Illumina
Classification: Uncertain significance for Retinal cone dystrophy 4. Last evaluated: 2018-01-12. Review status: criteria provided, single submitter. Criteria: ICSL Variant Classification Criteria 13 December 2019. Collection method: clinical testing. Allele origin: germline.